The following is an entry in ClinVar:

ClinVar aggregate classification (germline): Uncertain significance (1 of 4 stars; one submission).

Conditions:
Bloom syndrome (BLM). Also called: Bloom-Torre-Machacek syndrome. Identifiers: Orphanet 125, MedGen C0005859, MONDO:0008876, OMIM 210900.

Allele frequency attached by ClinVar (database versions not stated): ExAC 0.00001; gnomAD 0.00001; 1000 Genomes Project 30x 0.00016; 1000 Genomes Project 0.00020.
gnomAD v4.1: 1 of 1,598,818 alleles (0.000063%); highest among the groups gnomAD compares: South Asian, 0.0011%; no homozygotes.

Submission:

Labcorp Genetics (formerly Invitae), Labcorp
Classification: Uncertain significance for Bloom syndrome. Last evaluated: 2021-10-01. Review status: criteria provided, single submitter. Criteria: Invitae Variant Classification Sherloc (09022015). Collection method: clinical testing. Allele origin: germline.
Comment: This sequence change replaces glycine with serine at codon 693 of the BLM protein (p.Gly693Ser). The glycine residue is highly conserved and there is a small physicochemical difference between glycine and serine. In summary, the available evidence is currently insufficient to determine the role of this variant in disease. Therefore, it has been classified as a Variant of Uncertain Significance. Algorithms developed to predict the effect of missense changes on protein structure and function are either unavailable or do not agree on the potential impact of this missense change (SIFT: "Deleterious"; PolyPhen-2: "Probably Damaging"; Align-GVGD: "Class C0"). This variant has not been reported in the literature in individuals affected with BLM-related conditions. This variant is present in population databases (rs565078630, ExAC 0.006%).

NM_000057.4(BLM):c.2077G>A (p.Gly693Ser)

Gene: BLM (BLM RecQ like helicase; plus strand). Cytogenetic location: 15q26.1.
Variant type: single nucleotide variant.
Coding change: c.2077G>A on transcript NM_000057.4 (MANE Select); coding-DNA position 2077, G replaced by A.
Protein change: p.Gly693Ser; replaces glycine 693 with serine.
Molecular consequence: missense variant.
Genome position (GRCh38, 1-based): chr15:90,765,298, G>A. VCF-style: chr15-90765298-G-A. GRCh37 (hg19) VCF-style: chr15-91308528-G-A.
Other names: c.2077G>A, p.Gly693Ser (NM_001287246.2, NM_001287247.2); c.952G>A, p.Gly318Ser (NM_001287248.2); short protein forms G318S, G693S.
Identifiers: ClinVar variation 1516205 (VCV001516205.6), dbSNP rs565078630, ClinGen allele CA7738658.
Genomic context (GRCh38, chr15:90,765,298, plus strand): 5'-TTACATTCATGCTCTGAAGACAGAACCTGACAGATATTTTTTCATTGTTCTCTTTCAGGA[G>A]GTGGTAAGAGTTTGTGTTACCAGCTCCCTGCCTGTGTTTCTCCTGGGGTCACTGTTGTCA-3'
Protein context (NP_000048.1, residues 683-703): EDCFILMPTG[Gly693Ser]GKSLCYQLPA